The following is an entry in ClinVar:

ClinVar aggregate classification (germline): Conflicting classifications of pathogenicity. Review status: criteria provided, conflicting classifications (1 of 4 stars). 5 submissions from 5 submitters: Uncertain significance (2); Likely benign (3). Last evaluated 2026-01-17.

Conditions:
Inborn genetic diseases. Identifiers: MedGen C0950123, MeSH D030342.
LAMA2-related disorder. Also called: LAMA2-related condition; LAMA2-related disorders.
LAMA2-related muscular dystrophy (LAMA2-RD). Also called: Laminin alpha 2-related dystrophy. Identifiers: MedGen C5679788, MONDO:0100228.
Congenital muscular dystrophy due to partial LAMA2 deficiency. Identifiers: MedGen C1842898.

Allele frequency attached by ClinVar (database versions not stated): 1000 Genomes Project 0.00240; gnomAD 0.00001 and 0.00019; TOPMed 0.00003; gnomAD exomes 0.00024 and 0.00051; ExAC 0.00059; 1000 Genomes Project 30x 0.00187.
gnomAD v4.1: 391 of 1,613,488 alleles (0.024%); highest among the groups gnomAD compares: South Asian, 0.39%; 1 homozygote.

Submissions (5):

Labcorp Genetics (formerly Invitae), Labcorp
Classification: Likely benign for LAMA2-related muscular dystrophy. Last evaluated: 2026-01-17. Review status: criteria provided, single submitter. Criteria: Invitae Variant Classification Sherloc (09022015). Collection method: clinical testing. Allele origin: germline.

PreventionGenetics, part of Exact Sciences
Classification: Likely benign for LAMA2-related condition. Last evaluated: 2025-07-15. Review status: criteria provided, single submitter. Criteria: ACMG Guidelines, 2015. Collection method: clinical testing. Allele origin: germline.
Comment: This variant is classified as likely benign based on ACMG/AMP sequence variant interpretation guidelines (Richards et al. 2015 PMID: 25741868, with internal and published modifications).

Ambry Genetics
Classification: Likely benign for Inborn genetic diseases. Last evaluated: 2023-04-25. Review status: criteria provided, single submitter. Criteria: Ambry Variant Classification Scheme 2023. Collection method: clinical testing. Allele origin: germline.

Mayo Clinic Laboratories, Mayo Clinic
Classification: Uncertain significance. Last evaluated: 2021-07-21. Review status: criteria provided, single submitter. Criteria: ACMG Guidelines, 2015. Collection method: clinical testing. Allele origin: germline.

Illumina Laboratory Services, Illumina
Classification: Uncertain significance for Congenital muscular dystrophy due to partial LAMA2 deficiency. Last evaluated: 2018-01-12. Review status: criteria provided, single submitter. Criteria: ICSL Variant Classification Criteria 13 December 2019. Collection method: clinical testing. Allele origin: germline.

NM_000426.4(LAMA2):c.8684C>G (p.Thr2895Ser)

Gene: LAMA2 (laminin subunit alpha 2; plus strand). Cytogenetic location: 6q22.33.
Variant type: single nucleotide variant.
Coding change: c.8684C>G on transcript NM_000426.4 (MANE Select); coding-DNA position 8684, C replaced by G.
Protein change: p.Thr2895Ser; replaces threonine 2895 with serine.
Molecular consequence: missense variant.
Genome position (GRCh38, 1-based): chr6:129,505,336, C>G. VCF-style: chr6-129505336-C-G. GRCh37 (hg19) VCF-style: chr6-129826481-C-G.
Other names: p.Thr2895Ser; c.8672C>G, p.Thr2891Ser (NM_001079823.2); short protein forms T2891S, T2895S.
Identifiers: ClinVar variation 703965 (VCV000703965.21), dbSNP rs200705442, ClinGen allele CA3994891.